The following is an entry in ClinVar:

NM_001754.5(RUNX1):c.440C>G (p.Ala147Gly)

Genes: RUNX1 (RUNX family transcription factor 1; minus strand), RUNX1-AS1 (RUNX1 antisense RNA 1; plus strand). Cytogenetic location: 21q22.12.
Variant type: single nucleotide variant.
Coding change: c.440C>G on transcript NM_001754.5 (MANE Select); coding-DNA position 440, C replaced by G.
Protein change: p.Ala147Gly; replaces alanine 147 with glycine.
Molecular consequence: missense variant.
Genome position (GRCh38, 1-based): chr21:34,880,625, G>C on the plus strand (C>G on the coding strand, the complement: RUNX1 is on the minus strand). VCF-style: chr21-34880625-G-C. GRCh37 (hg19) VCF-style: chr21-36252922-G-C.
Other names: NM_001754.5(RUNX1):c.440C>G; p.Ala147Gly; c.359C>G, p.Ala120Gly (NM_001001890.3, NM_001122607.2); short protein forms A120G, A147G.
Identifiers: ClinVar variation 1354221 (VCV001354221.9), dbSNP rs2146361920, ClinGen allele CA410202604.

ClinVar aggregate classification (germline): Uncertain significance. Review status: reviewed by expert panel (3 of 4 stars). 2 submissions from 2 submitters: Uncertain significance (1). 1 of the submissions does not count toward it. Last evaluated 2024-09-25.

Conditions:
Hereditary thrombocytopenia and hematologic cancer predisposition syndrome. Identifiers: Orphanet 71290, MedGen CN281654, MONDO:0011071.
Hereditary thrombocytopenia and hematological cancer predisposition syndrome associated with RUNX1. Also called: PLATELET DISORDER, ASPIRIN-LIKE; RUNX1 Familial Platelet Disorder with Associated Myeloid Malignancies; Familial Platelet Disorder with Propensity to Acute Myelogenous Leukemia; Familial thrombocytopenia with propensity to acute myelogenous leukemia. Identifiers: Orphanet 71290, MedGen C1832388, MeSH C563324, MONDO:0100083, OMIM 601399.

Submissions (2):

ClinGen Myeloid Malignancy Variant Curation Expert Panel
Classification: Uncertain significance for Hereditary thrombocytopenia and hematologic cancer predisposition syndrome. Last evaluated: 2024-09-25. Review status: reviewed by expert panel. Criteria: ClinGen MyeloMalig ACMG Specifications v2. Collection method: curation. Allele origin: germline. Inheritance: Autosomal dominant inheritance.
Comment: NM_001754.5(RUNX1):c.440C>G (p.Ala147Gly) is a missense variant which is located within the Runt Homology Domain (AA 89-204), but does not occur in an established hotspot residue (PM1_supporting). This variant is completely absent from all population databases with at least 20x coverage for RUNX1 (PM2_supporting). In summary, the clinical significance of this variant is uncertain. ACMG/AMP criteria applied, as specified by the Myeloid Malignancy Variant Curation Expert Panel for RUNX1: PM1_supporting, PM2_supporting.

Labcorp Genetics (formerly Invitae), Labcorp
Classification: Uncertain significance for Hereditary thrombocytopenia and hematological cancer predisposition syndrome associated with RUNX1. Last evaluated: 2021-05-17. Review status: criteria provided, single submitter. Criteria: Invitae Variant Classification Sherloc (09022015). Collection method: clinical testing. Allele origin: germline. Not counted in ClinVar's aggregate classification.
Comment: In summary, the available evidence is currently insufficient to determine the role of this variant in disease. Therefore, it has been classified as a Variant of Uncertain Significance. Algorithms developed to predict the effect of sequence changes on RNA splicing suggest that this variant may create or strengthen a splice site, but this prediction has not been confirmed by published transcriptional studies. Algorithms developed to predict the effect of missense changes on protein structure and function are either unavailable or do not agree on the potential impact of this missense change (SIFT: "Tolerated"; PolyPhen-2: "Probably Damaging"; Align-GVGD: "Class C0"). This variant has not been reported in the literature in individuals with RUNX1-related conditions. This variant is not present in population databases (ExAC no frequency). This sequence change replaces alanine with glycine at codon 147 of the RUNX1 protein (p.Ala147Gly). The alanine residue is moderately conserved and there is a small physicochemical difference between alanine and glycine.